The following is an entry in ClinVar:

NM_021964.3(ZNF148):c.959C>T (p.Thr320Met)

Gene: ZNF148 (zinc finger protein 148; minus strand). Cytogenetic location: 3q21.2.
Variant type: single nucleotide variant.
Coding change: c.959C>T on transcript NM_021964.3 (MANE Select); coding-DNA position 959, C replaced by T.
Protein change: p.Thr320Met; replaces threonine 320 with methionine.
Molecular consequence: missense variant.
Genome position (GRCh38, 1-based): chr3:125,233,767, G>A on the plus strand (C>T on the coding strand, the complement: ZNF148 is on the minus strand). VCF-style: chr3-125233767-G-A. GRCh37 (hg19) VCF-style: chr3-124952611-G-A.
Other names: c.959C>T, p.Thr320Met (NM_001348424.1, NM_001348425.2, NM_001348426.2 and 7 more transcripts); c.833C>T, p.Thr278Met (NM_001348434.2); short protein forms T320M, T278M.
Identifiers: ClinVar variation 735319 (VCV000735319.6), dbSNP rs199684123, ClinGen allele CA2585289.

ClinVar aggregate classification (germline): Likely benign. Review status: criteria provided, single submitter (1 of 4 stars). 2 submissions from 2 submitters: Likely benign (1). 1 of the submissions does not count toward it. Last evaluated 2019-12-31.

Conditions:
ZNF148-related disorder. Also called: ZNF148-related condition.

Allele frequency attached by ClinVar (database versions not stated): 1000 Genomes Project 30x 0.00031; ESP Exome Variant Server 0.00031; 1000 Genomes Project 0.00040; ExAC 0.00043; gnomAD exomes 0.00048 and 0.00065; gnomAD 0.00054 and 0.00056; TOPMed 0.00069.
gnomAD v4.1: 1,021 of 1,613,458 alleles (0.063%); highest among the groups gnomAD compares: Admixed American, 0.083%; 3 homozygotes.

Submissions (2):

Labcorp Genetics (formerly Invitae), Labcorp
Classification: Likely benign. Last evaluated: 2019-12-31. Review status: criteria provided, single submitter. Criteria: Invitae Variant Classification Sherloc (09022015). Collection method: clinical testing. Allele origin: germline.

PreventionGenetics, part of Exact Sciences
Classification: Likely benign for ZNF148-related condition. Last evaluated: 2023-04-14. Review status: no assertion criteria provided. Collection method: clinical testing. Allele origin: germline. Not counted in ClinVar's aggregate classification.
Comment: This variant is classified as likely benign based on ACMG/AMP sequence variant interpretation guidelines (Richards et al. 2015 PMID: 25741868, with internal and published modifications).